The following is an entry in ClinVar:

ClinVar aggregate classification (germline): Likely benign (1 of 4 stars; one submission).

Submission:

CeGaT Center for Human Genetics Tuebingen
Classification: Likely benign. Last evaluated: 2026-01-01. Review status: criteria provided, single submitter. Criteria: CeGaT Center For Human Genetics Tuebingen Variant Classification Criteria Version 2. Collection method: clinical testing. Allele origin: germline. Affected: yes. Observed: 1 variant allele.
Comment: CRIPAK: BP4, BP7

NC_000004.12:g.1395222A>G

Genes: CRIPAK (cysteine rich PAK1 inhibitor; plus strand), UVSSA (UV stimulated scaffold protein A; plus strand), LOC126806945 (P300/CBP strongly-dependent group 1 enhancer GRCh37_chr4:1388225-1389424; plus strand). Cytogenetic location: 4p16.3.
Variant type: single nucleotide variant.
Genome position: GRCh38 VCF-style: chr4-1395222-A-G. GRCh37 (hg19) VCF-style: chr4-1389010-A-G.
Identifiers: ClinVar variation 4821415 (VCV004821415.4).
Genomic context (GRCh38, chr4:1,395,222, plus strand): 5'-TGTTCGCCTGCTCACACGTGCCGATGCGGAGTGCCCGCCTGCTCACACGTGCCGATGCGG[A>G]GTGCCCGCCTGCTCACACGTGCCCATGTGGAGTGCCCGCCTGCTCACGTGCCGATGTGGA-3'